The following is an entry in ClinVar:

ClinVar aggregate classification (germline): Uncertain significance (1 of 4 stars; one submission).

Submission:

Labcorp Genetics (formerly Invitae), Labcorp
Classification: Uncertain significance. Last evaluated: 2022-09-15. Review status: criteria provided, single submitter. Criteria: Invitae Variant Classification Sherloc (09022015). Collection method: clinical testing. Allele origin: germline.
Comment: In summary, the available evidence is currently insufficient to determine the role of this variant in disease. Therefore, it has been classified as a Variant of Uncertain Significance. Advanced modeling of protein sequence and biophysical properties (such as structural, functional, and spatial information, amino acid conservation, physicochemical variation, residue mobility, and thermodynamic stability) performed at Invitae indicates that this missense variant is not expected to disrupt CDH23 protein function. This variant has not been reported in the literature in individuals affected with CDH23-related conditions. This variant is not present in population databases (gnomAD no frequency). This sequence change replaces valine, which is neutral and non-polar, with aspartic acid, which is acidic and polar, at codon 2960 of the CDH23 protein (p.Val2960Asp).

NM_022124.6(CDH23):c.8879T>A (p.Val2960Asp)

Gene: CDH23 (cadherin related 23; plus strand). Cytogenetic location: 10q22.1.
Variant type: single nucleotide variant.
Coding change: c.8879T>A on transcript NM_022124.6 (MANE Select); coding-DNA position 8879, T replaced by A.
Protein change: p.Val2960Asp; replaces valine 2960 with aspartic acid.
Molecular consequence: missense variant.
Genome position (GRCh38, 1-based): chr10:71,809,976, T>A. VCF-style: chr10-71809976-T-A. GRCh37 (hg19) VCF-style: chr10-73569733-T-A.
Other names: c.2159T>A, p.Val720Asp (NM_001171933.1, NM_001171934.1); short protein forms V2960D, V720D.
Identifiers: ClinVar variation 1719526 (VCV001719526.5), dbSNP rs2494444795, ClinGen allele CA377133656.